The following is an entry in ClinVar:

NM_002662.5(PLD1):c.103T>C (p.Phe35Leu)

Gene: PLD1 (phospholipase D1; minus strand). Cytogenetic location: 3q26.31.
Variant type: single nucleotide variant.
Coding change: c.103T>C on transcript NM_002662.5 (MANE Select); coding-DNA position 103, T replaced by C.
Protein change: p.Phe35Leu; replaces phenylalanine 35 with leucine.
Molecular consequence: missense variant.
Genome position (GRCh38, 1-based): chr3:171,737,949, A>G on the plus strand (T>C on the coding strand, the complement: PLD1 is on the minus strand). VCF-style: chr3-171737949-A-G. GRCh37 (hg19) VCF-style: chr3-171455739-A-G.
Other names: c.103T>C, p.Phe35Leu (NM_001130081.3); short protein forms F35L.
Identifiers: ClinVar variation 724088 (VCV000724088.9), dbSNP rs149184731, ClinGen allele CA2705080.

ClinVar aggregate classification (germline): Conflicting classifications of pathogenicity. Review status: criteria provided, conflicting classifications (1 of 4 stars). 4 submissions from 4 submitters: Uncertain significance (1); Likely benign (3). Last evaluated 2026-08-18.

Conditions:
PLD1-related disorder. Also called: PLD1-related condition.
Inborn genetic diseases. Identifiers: MedGen C0950123, MeSH D030342.

Allele frequency attached by ClinVar (database versions not stated): 1000 Genomes Project 0.00220; gnomAD exomes 0.00011 and 0.00042; ExAC 0.00057; gnomAD 0.00127 and 0.00135; ESP Exome Variant Server 0.00146; TOPMed 0.00156; 1000 Genomes Project 30x 0.00172.
gnomAD v4.1: 374 of 1,613,980 alleles (0.023%); highest among the groups gnomAD compares: African/African-American, 0.43%; 2 homozygotes.

Submissions (4):

PreventionGenetics, part of Exact Sciences
Classification: Likely benign for PLD1-related condition. Last evaluated: 2026-08-18. Review status: criteria provided, single submitter. Criteria: ACMG Guidelines, 2015. Collection method: clinical testing. Allele origin: germline.
Comment: This variant is classified as likely benign based on ACMG/AMP sequence variant interpretation guidelines (Richards et al. 2015 PMID: 25741868, with internal and published modifications).

Labcorp Genetics (formerly Invitae), Labcorp
Classification: Likely benign. Last evaluated: 2025-09-23. Review status: criteria provided, single submitter. Criteria: Invitae Variant Classification Sherloc (09022015). Collection method: clinical testing. Allele origin: germline.

Blueprint Genetics
Classification: Likely benign. Last evaluated: 2024-11-14. Review status: criteria provided, single submitter. Criteria: ACMG Guidelines, 2015. Collection method: clinical testing. Allele origin: germline.

Ambry Genetics
Classification: Uncertain significance for Inborn genetic diseases. Last evaluated: 2024-03-19. Review status: criteria provided, single submitter. Criteria: Ambry Variant Classification Scheme 2023. Collection method: clinical testing. Allele origin: germline.